The following is an entry in ClinVar:

ClinVar aggregate classification (germline): Uncertain significance. Review status: criteria provided, multiple submitters, no conflicts (2 of 4 stars). 2 submissions from 2 submitters: Uncertain significance (2). Last evaluated 2023-03-16.

Conditions:
Congenital adrenal hyperplasia due to cytochrome P450 oxidoreductase deficiency. Also called: DISORDERED STEROIDOGENESIS DUE TO POR DEFICIENCY. Identifiers: Orphanet 95699, MedGen C1860042, MONDO:0013310, OMIM 613571.

Submissions (2):

Women's Health and Genetics/Laboratory Corporation of America, LabCorp
Classification: Uncertain significance. Last evaluated: 2023-03-16. Review status: criteria provided, single submitter. Criteria: LabCorp Variant Classification Summary - May 2015. Collection method: clinical testing. Allele origin: germline.
Comment: Variant summary: POR c.642_644delGGA/p.Glu214del (legacy name: c.651_653delGGA/p.Glu217del) results in an in-frame deletion that is predicted to remove 1 amino acid from the encoded protein. The variant allele was found at a frequency of 4.1e-06 in 243892 control chromosomes (gnomAD). c.642_644delGGA has been reported in the literature as a compound heterozygous genotype in one individual affected with Antley-Bixler syndrome, a type of Congenital Adrenal Hyperplasia (Sahakitrungruang_2009). Experimental evidence evaluating an impact on protein function demonstrated the variant lacked measurable activity in the assays based on P450c17 but retained partial activity in the assays based on cytochrome c (Sahakitrungruang_2009). One clinical diagnostic laboratory has submitted clinical-significance assessments for this variant to ClinVar after 2014 without evidence for independent evaluation and classified the variant as uncertain significance. Based on the evidence outlined above, the variant was classified as VUS-possibly pathogenic.

Labcorp Genetics (formerly Invitae), Labcorp
Classification: Uncertain significance for Congenital adrenal hyperplasia due to cytochrome P450 oxidoreductase deficiency. Last evaluated: 2021-08-31. Review status: criteria provided, single submitter. Criteria: Invitae Variant Classification Sherloc (09022015). Collection method: clinical testing. Allele origin: germline.
Comment: This variant, c.651_653del, results in the deletion of 1 amino acid(s) of the POR protein (p.Glu217del), but otherwise preserves the integrity of the reading frame. This variant is present in population databases (rs782434696, ExAC 0.01%). This variant has been observed in individual(s) with cytochrome P450 oxidoreductase deficiency (PMID: 19837910). This variant is also known as delE217. Algorithms developed to predict the effect of variants on protein structure and function are not available or were not evaluated for this variant. Experimental studies have shown that this variant affects POR function (PMID: 19837910). In summary, the available evidence is currently insufficient to determine the role of this variant in disease. Therefore, it has been classified as a Variant of Uncertain Significance.

Literature cited by the submitters: PubMed 19837910 (cited by Women's Health and Genetics/Laboratory Corporation of America, LabCorp and Labcorp Genetics (formerly Invitae), Labcorp).

NM_001395413.1(POR):c.636GGA[2] (p.Glu214del)

Gene: POR (cytochrome p450 oxidoreductase; plus strand). Cytogenetic location: 7q11.23.
Variant type: Microsatellite.
Coding change: c.636GGA[2] on transcript NM_001395413.1 (MANE Select); two copies in a row of the 3-base unit GGA starting at c.636; the reference has three copies in a row; one copy, 3 bases deleted.
Protein change: p.Glu214del; deletes glutamic acid 214.
Molecular consequence: inframe deletion.
Genome position (GRCh38, 1-based): chr7:75,981,526-75,981,528, GGA deleted; deleting any 3 consecutive bases within chr7:75,981,520-75,981,528 gives the same sequence; the position shown is the placement nearest the transcript's 3' end. VCF-style (leftmost placement, unchanged base first): chr7-75981519-TGGA-T. GRCh37 (hg19) VCF-style: chr7-75610837-TGGA-T.
Other names: c.642_644delGGA (NM_001395413.1); c.636GGA[2], p.Glu214del (NM_001367562.3, NM_001382657.2, NM_001382658.3 and 2 more transcripts); c.690GGA[2], p.Glu232del (NM_001382655.3); c.651_653delGGA (NM_000941.2); short protein forms E214del, E232del.
Identifiers: ClinVar variation 1419809 (VCV001419809.7), dbSNP rs782434696, ClinGen allele CA4303770.